The following is an entry in ClinVar:

NM_016580.4(PCDH12):c.976G>C (p.Asp326His)

Genes: PCDH12 (protocadherin 12; minus strand), RNF14 (ring finger protein 14; plus strand). Cytogenetic location: 5q31.3.
Variant type: single nucleotide variant.
Coding change: c.976G>C on transcript NM_016580.4 (MANE Select); coding-DNA position 976, G replaced by C.
Protein change: p.Asp326His; replaces aspartic acid 326 with histidine.
Molecular consequence: missense variant.
Genome position (GRCh38, 1-based): chr5:141,956,876, C>G on the plus strand (G>C on the coding strand, the complement: PCDH12 is on the minus strand). VCF-style: chr5-141956876-C-G. GRCh37 (hg19) VCF-style: chr5-141336441-C-G.
Other names: c.976G>C (NM_016580.2); short protein forms D326H.
Identifiers: ClinVar variation 2869007 (VCV002869007.4), dbSNP rs376940513, ClinGen allele CA3484476.

ClinVar aggregate classification (germline): Uncertain significance. Review status: criteria provided, multiple submitters, no conflicts (2 of 4 stars). 2 submissions from 2 submitters: Uncertain significance (2). Last evaluated 2025-10-06.

Conditions:
Inborn genetic diseases. Identifiers: MedGen C0950123, MeSH D030342.

Allele frequency attached by ClinVar (database versions not stated): ExAC 0.00001; gnomAD 0.00001; gnomAD exomes 0.00001; TOPMed 0.00001; ESP Exome Variant Server 0.00008.
gnomAD v4.1: 10 of 1,614,080 alleles (0.00062%); highest among the groups gnomAD compares: African/African-American, 0.0027%; no homozygotes.

Submissions (2):

Ambry Genetics
Classification: Uncertain significance for Inborn genetic diseases. Last evaluated: 2025-10-06. Review status: criteria provided, single submitter. Criteria: Ambry Variant Classification Scheme 2023. Collection method: clinical testing. Allele origin: germline.

Labcorp Genetics (formerly Invitae), Labcorp
Classification: Uncertain significance. Last evaluated: 2023-03-22. Review status: criteria provided, single submitter. Criteria: Invitae Variant Classification Sherloc (09022015). Collection method: clinical testing. Allele origin: germline.
Comment: This sequence change replaces aspartic acid, which is acidic and polar, with histidine, which is basic and polar, at codon 326 of the PCDH12 protein (p.Asp326His). This variant is present in population databases (rs376940513, gnomAD 0.002%). This variant has not been reported in the literature in individuals affected with PCDH12-related conditions. Advanced modeling of protein sequence and biophysical properties (such as structural, functional, and spatial information, amino acid conservation, physicochemical variation, residue mobility, and thermodynamic stability) performed at Invitae indicates that this missense variant is expected to disrupt PCDH12 protein function. In summary, the available evidence is currently insufficient to determine the role of this variant in disease. Therefore, it has been classified as a Variant of Uncertain Significance.